The following is an entry in ClinVar:

NM_001080414.4(CCDC88C):c.5522_5525del (p.Gly1841fs)

Gene: CCDC88C (coiled-coil and HOOK domain protein 88C; minus strand). Cytogenetic location: 14q32.11.
Variant type: Deletion.
Coding change: c.5522_5525del on transcript NM_001080414.4 (MANE Select); coding-DNA positions 5522 to 5525, 4 bases deleted (GCAG; older notation c.5522_5525delGCAG).
Protein change: p.Gly1841fs; shifts the reading frame from glycine 1841.
Molecular consequence: frameshift variant.
Genome position (GRCh38, 1-based): chr14:91,273,187-91,273,190, CTGC deleted on the plus strand (GCAG on the coding strand, the reverse complement: CCDC88C is on the minus strand); deleting any 4 consecutive bases within chr14:91,273,187-91,273,193 gives the same sequence; the c. name uses the placement nearest the transcript's 3' end. VCF-style (leftmost placement, unchanged base first): chr14-91273186-GCTGC-G. GRCh37 (hg19) VCF-style: chr14-91739530-GCTGC-G.
Other names: c.5522_5525delGCAG (NM_001080414.4); short protein forms G1841fs.
Identifiers: ClinVar variation 2869345 (VCV002869345.6), dbSNP rs1440642205, ClinGen allele CA616112292.
Genomic context (GRCh38, chr14:91,273,186, plus strand): 5'-TGGGGTCCGCTCCCGGGCCAGGCTATGGGAGCTGGGGGGTGCGGGGCTTTGCAGGGTGTG[GCTGC>G]CTGTCTCTCTGCCCCCTAAGGCCTCAGGAGCCCCCAGCTTCTGAGGGGACTCCTGTTTGC-3'

ClinVar aggregate classification (germline): Conflicting classifications of pathogenicity. Review status: criteria provided, conflicting classifications (1 of 4 stars). 3 submissions from 3 submitters: Pathogenic (1); Likely pathogenic (1); Uncertain significance (1). Last evaluated 2025-06-24.

Conditions:
Hydrocephalus, nonsyndromic, autosomal recessive 1 (HYC1). Also called: Hydrocephalus, nonsyndromic, autosomal recessive; Congenital hydrocephalus 1. Identifiers: Orphanet 2185, MedGen C3887608, MONDO:0009360, OMIM 236600.
Spinocerebellar ataxia type 40. Identifiers: Orphanet 423275, MedGen C4518336, MONDO:0014475, OMIM 616053.

Submissions (3):

Women's Health and Genetics/Laboratory Corporation of America, LabCorp
Classification: Uncertain significance. Last evaluated: 2025-06-24. Review status: criteria provided, single submitter. Criteria: LabCorp Variant Classification Summary - May 2015. Collection method: clinical testing. Allele origin: germline.
Comment: Variant summary: CCDC88C c.5522_5525delGCAG (p.Gly1841AlafsX223) causes a frameshift which results in an extension of the protein. The variant allele was found at a frequency of 1.1e-05 in 182510 control chromosomes. The available data on variant occurrences in the general population are insufficient to allow any conclusion about variant significance. To our knowledge, no occurrence of c.5522_5525delGCAG in individuals affected with CCDC88C-Related Disorders and no experimental evidence demonstrating its impact on protein function have been reported. ClinVar contains an entry for this variant (Variation ID: 2869345). Based on the evidence outlined above, the variant was classified as uncertain significance.

Fulgent Genetics
Classification: Likely pathogenic for Hydrocephalus, nonsyndromic, autosomal recessive 1; Spinocerebellar ataxia type 40. Last evaluated: 2024-06-22. Review status: criteria provided, single submitter. Criteria: ACMG Guidelines, 2015. Collection method: clinical testing. Allele origin: germline.

Labcorp Genetics (formerly Invitae), Labcorp
Classification: Pathogenic. Last evaluated: 2023-08-18. Review status: criteria provided, single submitter. Criteria: Invitae Variant Classification Sherloc (09022015). Collection method: clinical testing. Allele origin: germline.
Comment: For these reasons, this variant has been classified as Pathogenic. This variant disrupts a region of the CCDC88C protein in which other variant(s) (p.Glu1949Glyfs*26) have been determined to be pathogenic (PMID: 23042809). This suggests that this is a clinically significant region of the protein, and that variants that disrupt it are likely to be disease-causing. This variant has not been reported in the literature in individuals affected with CCDC88C-related conditions. This variant is present in population databases (no rsID available, gnomAD 0.007%). This sequence change results in a frameshift in the CCDC88C gene (p.Gly1841Alafs*223). While this is not anticipated to result in nonsense mediated decay, it is expected to disrupt the last 188 amino acid(s) of the CCDC88C protein and extend the protein by 34 additional amino acid residues.

Literature cited by the submitters: PubMed 23042809 (cited by Labcorp Genetics (formerly Invitae), Labcorp).